The following is an entry in ClinVar:

ClinVar aggregate classification (germline): Uncertain significance (1 of 4 stars; one submission).

Conditions:
CHARGE syndrome (CHARGE). Also called: Hittner Hirsch Kreh syndrome; CHARGE ASSOCIATION--COLOBOMA, HEART ANOMALY, CHOANAL ATRESIA, RETARDATION, GENITAL AND EAR ANOMALIES; Coloboma, heart anomaly, choanal atresia, retardation, genital and ear anomalies; CHARGE association; Hall-Hittner syndrome. Identifiers: Orphanet 138, MedGen C0265354, MONDO:0008965.

Allele frequency attached by ClinVar (database versions not stated): gnomAD exomes below 0.00001; ExAC 0.00001; gnomAD 0.00001; TOPMed 0.00001.
gnomAD v4.1: 3 of 1,613,070 alleles (0.00019%); highest among the groups gnomAD compares: African/African-American, 0.004%; no homozygotes.

Submission:

Labcorp Genetics (formerly Invitae), Labcorp
Classification: Uncertain significance for CHARGE syndrome. Last evaluated: 2021-06-07. Review status: criteria provided, single submitter. Criteria: Invitae Variant Classification Sherloc (09022015). Collection method: clinical testing. Allele origin: germline.
Comment: In summary, the available evidence is currently insufficient to determine the role of this variant in disease. Therefore, it has been classified as a Variant of Uncertain Significance. Nucleotide substitutions within the consensus splice site are a relatively common cause of aberrant splicing (PMID: 17576681, 9536098). Algorithms developed to predict the effect of sequence changes on RNA splicing suggest that this variant is not likely to affect RNA splicing, but this prediction has not been confirmed by published transcriptional studies. This sequence change falls in intron 14 of the SEMA3E gene. It does not directly change the encoded amino acid sequence of the SEMA3E protein. It affects a nucleotide within the consensus splice site of the intron. This variant is present in population databases (rs778403800, ExAC 0.01%). This variant has not been reported in the literature in individuals with SEMA3E-related conditions.

Literature cited by the submitters: PubMed 17576681; PubMed 9536098.

NM_012431.3(SEMA3E):c.1667+3G>A

Gene: SEMA3E (semaphorin 3E; minus strand). Cytogenetic location: 7q21.11.
Variant type: single nucleotide variant.
Coding change: c.1667+3G>A on transcript NM_012431.3 (MANE Select); 3 bases into the intron after coding-DNA position 1667, G replaced by A.
Molecular consequence: intron variant.
Genome position (GRCh38, 1-based): chr7:83,392,552, C>T on the plus strand (G>A on the coding strand, the complement: SEMA3E is on the minus strand). VCF-style: chr7-83392552-C-T. GRCh37 (hg19) VCF-style: chr7-83021868-C-T.
Other names: c.1487+3G>A (NM_001178129.2).
Identifiers: ClinVar variation 1379747 (VCV001379747.6), dbSNP rs778403800, ClinGen allele CA4321956.